The following is an entry in ClinVar:

ClinVar aggregate classification (germline): Likely pathogenic (1 of 4 stars; one submission).

Submission:

CeGaT Center for Human Genetics Tuebingen
Classification: Likely pathogenic. Last evaluated: 2025-10-01. Review status: criteria provided, single submitter. Criteria: CeGaT Center For Human Genetics Tuebingen Variant Classification Criteria Version 2. Collection method: clinical testing. Allele origin: germline. Affected: yes. Observed: 1 variant allele.
Comment: DSG2: PVS1:Strong, PM2

NM_001943.5(DSG2):c.2532_2535dup (p.Asp846fs)

Genes: DSG2 (desmoglein 2; plus strand), DSG2-AS1 (DSG2 antisense RNA 1; minus strand). Cytogenetic location: 18q12.1.
Variant type: Duplication.
Coding change: c.2532_2535dup on transcript NM_001943.5 (MANE Select); coding-DNA positions 2532 to 2535, 4 bases duplicated (AATA; older notation c.2532_2535dupAATA).
Protein change: p.Asp846fs; shifts the reading frame from aspartic acid 846.
Molecular consequence: frameshift variant.
Genome position (GRCh38, 1-based): chr18:31,545,918-31,545,921, AATA duplicated; duplicating any 4 consecutive bases within chr18:31,545,917-31,545,921 gives the same sequence; the c. name uses the placement nearest the transcript's 3' end. VCF-style (leftmost placement, unchanged base first): chr18-31545916-A-AAAAT. GRCh37 (hg19) VCF-style: chr18-29125879-A-AAAAT.
Other names: short protein forms D846fs.
Identifiers: ClinVar variation 4535228 (VCV004535228.6).